The following is an entry in ClinVar:

ClinVar aggregate classification (germline): Conflicting classifications of pathogenicity. Review status: criteria provided, conflicting classifications (1 of 4 stars). 4 submissions from 4 submitters: Pathogenic (1); Likely pathogenic (1); Uncertain significance (2). Last evaluated 2025-09-26.

Conditions:
Houge-Janssens syndrome 2. Also called: Microcephaly-corpus callosum hypoplasia-intellectual disability-facial dysmorphism syndrome; INTELLECTUAL DEVELOPMENTAL DISORDER, AUTOSOMAL DOMINANT 36; PPP2R1A-Related Neurodevelopmental Disorder. Identifiers: Orphanet 457284, MedGen C4225352, MONDO:0014605, OMIM 616362.

Submissions (4):

GeneDx
Classification: Pathogenic. Last evaluated: 2025-09-26. Review status: criteria provided, single submitter. Criteria: GeneDx Variant Classification Process June 2021. Collection method: clinical testing. Allele origin: germline. Affected: yes.
Comment: De novo variant with confirmed parentage in multiple patients with neurodevelopmental disorders referred for genetic testing at GeneDx (PMID: 35982159, 33057194); Not observed at significant frequency in large population cohorts (gnomAD); In silico analysis supports that this missense variant has a deleterious effect on protein structure/function; This variant is associated with the following publications: (PMID: 35982159, 33057194)

Clinical Genomics Laboratory, Washington University in St. Louis
Classification: Uncertain significance for Houge-Janssens syndrome 2. Last evaluated: 2025-01-22. Review status: criteria provided, single submitter. Criteria: ACMG Guidelines, 2015. Collection method: clinical testing. Allele origin: germline.
Comment: The PPP2R1A c.430C>T (p.Arg144Cys) variant, to our knowledge, has not been reported in the medical literature in the germline state and is absent from the general population (gnomAD v.2.1.1), indicating it is not a common variant. This variant has been reported in the ClinVar database as a variant of uncertain significance by one submitter, as a likely pathogenic variant by one submitter, and as a pathogenic variant by one submitter. Computational predictors are uncertain as to the impact of this variant on PPP2R1A function. Due to limited information, and based on ACMG/AMP guidelines for variant interpretation (Richards S et al., PMID: 25741868), the clinical significance of this variant is uncertain at this time.

Labcorp Genetics (formerly Invitae), Labcorp
Classification: Uncertain significance. Last evaluated: 2023-02-11. Review status: criteria provided, single submitter. Criteria: Invitae Variant Classification Sherloc (09022015). Collection method: clinical testing. Allele origin: germline.
Comment: This variant is not present in population databases (gnomAD no frequency). In summary, the available evidence is currently insufficient to determine the role of this variant in disease. Therefore, it has been classified as a Variant of Uncertain Significance. Advanced modeling of protein sequence and biophysical properties (such as structural, functional, and spatial information, amino acid conservation, physicochemical variation, residue mobility, and thermodynamic stability) performed at Invitae indicates that this missense variant is expected to disrupt PPP2R1A protein function. ClinVar contains an entry for this variant (Variation ID: 1197324). This variant has not been reported in the literature in individuals affected with PPP2R1A-related conditions. This sequence change replaces arginine, which is basic and polar, with cysteine, which is neutral and slightly polar, at codon 144 of the PPP2R1A protein (p.Arg144Cys).

Institute of Human Genetics Munich, TUM University Hospital
Classification: Likely pathogenic for Houge-Janssens syndrome 2. Last evaluated: 2022-12-13. Review status: criteria provided, single submitter. Criteria: Classification criteria August 2017. Collection method: clinical testing. Allele origin: de novo. Inheritance: Autosomal dominant inheritance. Affected: yes. Observed: 1 variant allele.

NM_014225.6(PPP2R1A):c.430C>T (p.Arg144Cys)

Gene: PPP2R1A (protein phosphatase 2 scaffold subunit Aalpha; plus strand). Cytogenetic location: 19q13.41.
Variant type: single nucleotide variant.
Coding change: c.430C>T on transcript NM_014225.6 (MANE Select); coding-DNA position 430, C replaced by T.
Protein change: p.Arg144Cys; replaces arginine 144 with cysteine.
Molecular consequence: missense variant. On other transcripts: 5 prime UTR variant (1), non-coding transcript variant (1).
Genome position (GRCh38, 1-based): chr19:52,211,419, C>T. VCF-style: chr19-52211419-C-T. GRCh37 (hg19) VCF-style: chr19-52714672-C-T.
Other names: c.-108C>T (NM_001363656.2); short protein forms R144C.
Identifiers: ClinVar variation 1197324 (VCV001197324.10), dbSNP rs2122329969, ClinGen allele CA407182752.